The following is an entry in ClinVar:

NM_144772.3(NAXE):c.565G>A (p.Gly189Ser)

Gene: NAXE (NAD(P)HX epimerase; plus strand). Cytogenetic location: 1q22.
Variant type: single nucleotide variant.
Coding change: c.565G>A on transcript NM_144772.3 (MANE Select); coding-DNA position 565, G replaced by A.
Protein change: p.Gly189Ser; replaces glycine 189 with serine.
Molecular consequence: missense variant.
Genome position (GRCh38, 1-based): chr1:156,593,456, G>A. VCF-style: chr1-156593456-G-A. GRCh37 (hg19) VCF-style: chr1-156563248-G-A.
Other names: short protein forms G189S.
Identifiers: ClinVar variation 873152 (VCV000873152.3), dbSNP rs1677398842, ClinGen allele CA342874636.

ClinVar aggregate classification (germline): Pathogenic (1 of 4 stars; one submission).

Conditions:
Encephalopathy, progressive, early-onset, with brain edema and/or leukoencephalopathy, 1 (PEBEL1). Also called: NAD(P)HX epimerase deficiency. Identifiers: Orphanet 555407, MedGen C4310675, MONDO:0020781, OMIM 617186.

Submission:

Medical Genetics Laboratory, Tarbiat Modares University
Classification: Pathogenic for Encephalopathy, progressive, early-onset, with brain edema and/or leukoencephalopathy, 1. Review status: criteria provided, single submitter. Criteria: ACMG Guidelines, 2015. Collection method: clinical testing. Allele origin: inherited. Inheritance: Autosomal recessive inheritance. Affected: yes. Observed: 1 homozygote.
Comment: Early-onset progressive encephalopathy with brain edema and leukoencephalopathy